The following is an entry in ClinVar:

ClinVar aggregate classification (germline): Uncertain significance (1 of 4 stars; one submission).

Conditions:
Neuropathy, hereditary sensory and autonomic, type 2A (HSAN2A). Also called: HSAN IIA; WNK1-Related HSAN2 (HSAN2A); ACROOSTEOLYSIS, GIACCAI TYPE; ACROOSTEOLYSIS, NEUROGENIC; MORVAN DISEASE; NEUROPATHY, CONGENITAL SENSORY. Identifiers: Orphanet 970, MedGen C2752089, MONDO:0024309, OMIM 201300.
Pseudohypoaldosteronism type 2C (PHA2C). Also called: Pseudohypoaldosteronism Type IIC. Identifiers: Orphanet 757, Orphanet 88940, MedGen C1840391, MONDO:0013778, OMIM 614492.

Allele frequency attached by ClinVar (database versions not stated): gnomAD exomes below 0.00001.
gnomAD v4.1: 2 of 1,613,758 alleles (0.00012%); highest among the groups gnomAD compares: Admixed American, 0.0017%; no homozygotes.

Submission:

Labcorp Genetics (formerly Invitae), Labcorp
Classification: Uncertain significance for Neuropathy, hereditary sensory and autonomic, type 2A; Pseudohypoaldosteronism type 2C. Last evaluated: 2024-11-01. Review status: criteria provided, single submitter. Criteria: Invitae Variant Classification Sherloc (09022015). Collection method: clinical testing. Allele origin: germline.
Comment: This sequence change replaces leucine, which is neutral and non-polar, with phenylalanine, which is neutral and non-polar, at codon 650 of the WNK1 protein (p.Leu650Phe). This variant is present in population databases (no rsID available, gnomAD 0.003%). This variant has not been reported in the literature in individuals affected with WNK1-related conditions. ClinVar contains an entry for this variant (Variation ID: 2930999). Experimental studies and prediction algorithms are not available or were not evaluated, and the functional significance of this variant is currently unknown. In summary, the available evidence is currently insufficient to determine the role of this variant in disease. Therefore, it has been classified as a Variant of Uncertain Significance.

NM_018979.4(WNK1):c.1950A>T (p.Leu650Phe)

Gene: WNK1 (WNK lysine deficient protein kinase 1; plus strand). Cytogenetic location: 12p13.33.
Variant type: single nucleotide variant.
Coding change: c.1950A>T on transcript NM_018979.4 (MANE Select); coding-DNA position 1950, A replaced by T.
Protein change: p.Leu650Phe; replaces leucine 650 with phenylalanine.
Molecular consequence: missense variant.
Genome position (GRCh38, 1-based): chr12:861,342, A>T. VCF-style: chr12-861342-A-T. GRCh37 (hg19) VCF-style: chr12-970508-A-T.
Other names: c.1950A>T, p.Leu650Phe (NM_001184985.2, NM_014823.3, NM_213655.5); short protein forms L650F.
Identifiers: ClinVar variation 2930999 (VCV002930999.3), dbSNP rs1165511823, ClinGen allele CA383335980.